The following is an entry in ClinVar:

ClinVar aggregate classification (germline): Uncertain significance (1 of 4 stars; one submission).

Submission:

Labcorp Genetics (formerly Invitae), Labcorp
Classification: Uncertain significance. Last evaluated: 2021-08-10. Review status: criteria provided, single submitter. Criteria: Invitae Variant Classification Sherloc (09022015). Collection method: clinical testing. Allele origin: germline.
Comment: This variant is not present in population databases (ExAC no frequency). This variant has not been reported in the literature in individuals affected with MAK-related conditions. Algorithms developed to predict the effect of sequence changes on RNA splicing suggest that this variant may create or strengthen a splice site. In summary, the available evidence is currently insufficient to determine the role of this variant in disease. Therefore, it has been classified as a Variant of Uncertain Significance. This sequence change falls in exon 1 of the MAK gene. It does not directly change the encoded amino acid sequence of the MAK protein.

NM_001242957.3(MAK):c.63C>T (p.Gly21=)

Gene: MAK (male germ cell associated kinase; minus strand). Cytogenetic location: 6p24.2.
Variant type: single nucleotide variant.
Coding change: c.63C>T on transcript NM_001242957.3 (MANE Select); coding-DNA position 63, C replaced by T.
Protein change: p.Gly21=; no amino-acid change (glycine 21 retained).
Molecular consequence: synonymous variant. On other transcripts: non-coding transcript variant (2), intron variant (1).
Genome position (GRCh38, 1-based): chr6:10,830,586, G>A on the plus strand (C>T on the coding strand, the complement: MAK is on the minus strand). VCF-style: chr6-10830586-G-A. GRCh37 (hg19) VCF-style: chr6-10830819-G-A.
Other names: c.63C>T, p.Gly21= (NM_001242385.2, NM_005906.6); c.-2+7917C>T (NM_001377262.1).
Identifiers: ClinVar variation 1398018 (VCV001398018.8), dbSNP rs2127590522, ClinGen allele CA448568754.